The following is an entry in ClinVar:

NM_000069.3(CACNA1S):c.1906C>T (p.Leu636Phe)

Gene: CACNA1S (calcium voltage-gated channel subunit alpha1 S; minus strand). Cytogenetic location: 1q32.1.
Variant type: single nucleotide variant.
Coding change: c.1906C>T on transcript NM_000069.3 (MANE Select); coding-DNA position 1906, C replaced by T.
Protein change: p.Leu636Phe; replaces leucine 636 with phenylalanine.
Molecular consequence: missense variant.
Genome position (GRCh38, 1-based): chr1:201,075,537, G>A on the plus strand (C>T on the coding strand, the complement: CACNA1S is on the minus strand). VCF-style: chr1-201075537-G-A. GRCh37 (hg19) VCF-style: chr1-201044665-G-A.
Other names: c.1906C>T (NM_000069.2); short protein forms L636F.
Identifiers: ClinVar variation 3577394 (VCV003577394.3).

ClinVar aggregate classification (germline): Uncertain significance. Review status: criteria provided, multiple submitters, no conflicts (2 of 4 stars). 3 submissions from 3 submitters: Uncertain significance (3). Last evaluated 2025-08-04.

Conditions:
Malignant hyperthermia, susceptibility to, 5 (MHS5). Also called: CACNA1S-Related Malignant Hyperthermia Susceptibility. Identifiers: Orphanet 423, MedGen C1866077, MONDO:0011163, OMIM 601887.
Hypokalemic periodic paralysis, type 1. Also called: Hypokalemic Periodic Paralysis Type 1 (AD); HypoPP. Identifiers: Orphanet 681, MedGen C3714580, MONDO:0042979, OMIM 170400.
Congenital myopathy 18. Also called: Myopathy, congenital, due to dihydropyridine receptor defect; DIHYDROPYRIDINE RECEPTOR CONGENITAL MYOPATHY; DHPR CONGENITAL MYOPATHY. Identifiers: MedGen C5830283, MONDO:0859514, OMIM 620246.
Thyrotoxic periodic paralysis, susceptibility to, 1 (TTPP1). Identifiers: Orphanet 79102, MedGen C2749982, MONDO:0008570, OMIM 188580.
Inborn genetic diseases. Identifiers: MedGen C0950123, MeSH D030342.

gnomAD v4.1: 8 of 1,611,572 alleles (0.0005%); highest among the groups gnomAD compares: African/African-American, 0.0081%; no homozygotes.

Submissions (3):

Ambry Genetics
Classification: Uncertain significance for Inborn genetic diseases. Last evaluated: 2025-08-04. Review status: criteria provided, single submitter. Criteria: Ambry Variant Classification Scheme 2023. Collection method: clinical testing. Allele origin: germline.

GeneDx
Classification: Uncertain significance. Last evaluated: 2025-02-19. Review status: criteria provided, single submitter. Criteria: GeneDx Variant Classification Process June 2021. Collection method: clinical testing. Allele origin: germline. Affected: yes.
Comment: Not observed at significant frequency in large population cohorts (gnomAD); In silico analysis supports that this missense variant has a deleterious effect on protein structure/function; Has not been previously published as pathogenic or benign to our knowledge

Fulgent Genetics
Classification: Uncertain significance for Hypokalemic periodic paralysis, type 1; Thyrotoxic periodic paralysis, susceptibility to, 1; Malignant hyperthermia, susceptibility to, 5; Congenital myopathy 18. Last evaluated: 2024-04-22. Review status: criteria provided, single submitter. Criteria: ACMG Guidelines, 2015. Collection method: clinical testing. Allele origin: germline.